The following is an entry in ClinVar:

ClinVar aggregate classification (germline): Uncertain significance (1 of 4 stars; one submission).

Conditions:
Cardiovascular phenotype. Identifiers: MedGen CN230736.

Submission:

Ambry Genetics
Classification: Uncertain significance for Cardiovascular phenotype. Last evaluated: 2019-02-25. Review status: criteria provided, single submitter. Criteria: Ambry Variant Classification Scheme 2023. Collection method: clinical testing. Allele origin: germline.
Comment: The p.R120L variant (also known as c.359G>T), located in coding exon 4 of the RIT1 gene, results from a G to T substitution at nucleotide position 359. The arginine at codon 120 is replaced by leucine, an amino acid with dissimilar properties. This amino acid position is highly conserved in available vertebrate species. In addition, the in silico prediction for this alteration is inconclusive. Since supporting evidence is limited at this time, the clinical significance of this alteration remains unclear.

NM_006912.6(RIT1):c.359G>T (p.Arg120Leu)

Gene: RIT1 (Ras like without CAAX 1; minus strand). Cytogenetic location: 1q22.
Variant type: single nucleotide variant.
Coding change: c.359G>T on transcript NM_006912.6 (MANE Select); coding-DNA position 359, G replaced by T.
Protein change: p.Arg120Leu; replaces arginine 120 with leucine.
Molecular consequence: missense variant.
Genome position (GRCh38, 1-based): chr1:155,904,381, C>A on the plus strand (G>T on the coding strand, the complement: RIT1 is on the minus strand). VCF-style: chr1-155904381-C-A. GRCh37 (hg19) VCF-style: chr1-155874172-C-A.
Other names: c.251G>T, p.Arg84Leu (NM_001256820.2); c.410G>T, p.Arg137Leu (NM_001256821.2); short protein forms R120L, R137L, R84L.
Identifiers: ClinVar variation 1733052 (VCV001733052.2), dbSNP rs753425443, ClinGen allele CA342802313.